The following is an entry in ClinVar:

ClinVar aggregate classification (germline): Uncertain significance (1 of 4 stars; one submission).

Submission:

Labcorp Genetics (formerly Invitae), Labcorp
Classification: Uncertain significance. Last evaluated: 2025-09-21. Review status: criteria provided, single submitter. Criteria: Invitae Variant Classification Sherloc (09022015). Collection method: clinical testing. Allele origin: germline.
Comment: This sequence change replaces leucine, which is neutral and non-polar, with phenylalanine, which is neutral and non-polar, at codon 297 of the ALPK1 protein (p.Leu297Phe). This variant is not present in population databases (gnomAD no frequency). This variant has not been reported in the literature in individuals affected with ALPK1-related conditions. Invitae Evidence Modeling of protein sequence and biophysical properties (such as structural, functional, and spatial information, amino acid conservation, physicochemical variation, residue mobility, and thermodynamic stability) indicates that this missense variant is expected to disrupt ALPK1 protein function with a positive predictive value of 80%. In summary, the available evidence is currently insufficient to determine the role of this variant in disease. Therefore, it has been classified as a Variant of Uncertain Significance.

NM_025144.4(ALPK1):c.889C>T (p.Leu297Phe)

Gene: ALPK1 (alpha kinase 1; plus strand). Cytogenetic location: 4q25.
Variant type: single nucleotide variant.
Coding change: c.889C>T on transcript NM_025144.4 (MANE Select); coding-DNA position 889, C replaced by T.
Protein change: p.Leu297Phe; replaces leucine 297 with phenylalanine.
Molecular consequence: missense variant.
Genome position (GRCh38, 1-based): chr4:112,429,242, C>T. VCF-style: chr4-112429242-C-T. GRCh37 (hg19) VCF-style: chr4-113350398-C-T.
Other names: c.889C>T, p.Leu297Phe (NM_001102406.2); c.655C>T, p.Leu219Phe (NM_001253884.2); short protein forms L219F, L297F.
Identifiers: ClinVar variation 4810933 (VCV004810933.1).
Genomic context (GRCh38, chr4:112,429,242, plus strand): 5'-TCCGCTGCAGAAGCCTGCAAGCTGGCAGCTGCCTTCAGTGCCTATACGCCGCTCTTCGTG[C>T]TCACAGCTGTGGTAAACGAATGCAGCCGCTCCTCAAACCCCCACAGGACCTCTCCCAGGG-3'
Protein context (NP_079420.3, residues 287-307): AFSAYTPLFV[Leu297Phe]TAVNIRGTCL